The following is an entry in ClinVar:

ClinVar aggregate classification (germline): Uncertain significance (1 of 4 stars; one submission).

Submission:

GeneDx
Classification: Uncertain significance. Last evaluated: 2025-02-24. Review status: criteria provided, single submitter. Criteria: GeneDx Variant Classification Process June 2021. Collection method: clinical testing. Allele origin: germline. Affected: yes.
Comment: Not observed at significant frequency in large population cohorts (gnomAD); In silico analysis indicates that this missense variant does not alter protein structure/function; Has not been previously published as pathogenic or benign to our knowledge

NM_000474.4(TWIST1):c.126C>G (p.Ser42Arg)

Gene: TWIST1 (twist family bHLH transcription factor 1; minus strand). Cytogenetic location: 7p21.1.
Variant type: single nucleotide variant.
Coding change: c.126C>G on transcript NM_000474.4 (MANE Select); coding-DNA position 126, C replaced by G.
Protein change: p.Ser42Arg; replaces serine 42 with arginine.
Molecular consequence: missense variant. On other transcripts: non-coding transcript variant (1).
Genome position (GRCh38, 1-based): chr7:19,117,196, G>C on the plus strand (C>G on the coding strand, the complement: TWIST1 is on the minus strand). VCF-style: chr7-19117196-G-C. GRCh37 (hg19) VCF-style: chr7-19156819-G-C.
Other names: short protein forms S42R.
Identifiers: ClinVar variation 4076535 (VCV004076535.1).